The following is an entry in ClinVar:

NM_001083926.2(ASRGL1):c.333+3A>T

Gene: ASRGL1 (asparaginase and isoaspartyl peptidase 1; plus strand). Cytogenetic location: 11q12.3.
Variant type: single nucleotide variant.
Coding change: c.333+3A>T on transcript NM_001083926.2 (MANE Select); 3 bases into the intron after coding-DNA position 333, A replaced by T.
Molecular consequence: intron variant.
Genome position (GRCh38, 1-based): chr11:62,356,470, A>T. VCF-style: chr11-62356470-A-T. GRCh37 (hg19) VCF-style: chr11-62123942-A-T.
Other names: c.333+3A>T (NM_025080.4).
Identifiers: ClinVar variation 1396550 (VCV001396550.6), dbSNP rs376734611, ClinGen allele CA6043150.

ClinVar aggregate classification (germline): Uncertain significance (1 of 4 stars; one submission).

Allele frequency attached by ClinVar (database versions not stated): ESP Exome Variant Server 0.00008; gnomAD exomes 0.00001 and below 0.00001; ExAC 0.00001.
gnomAD v4.1: 2 of 1,614,000 alleles (0.00012%); highest among the groups gnomAD compares: African/African-American, 0.0027%; no homozygotes.

Submission:

Labcorp Genetics (formerly Invitae), Labcorp
Classification: Uncertain significance. Last evaluated: 2025-07-16. Review status: criteria provided, single submitter. Criteria: Invitae Variant Classification Sherloc (09022015). Collection method: clinical testing. Allele origin: germline.
Comment: This sequence change falls in intron 3 of the ASRGL1 gene. It does not directly change the encoded amino acid sequence of the ASRGL1 protein. It affects a nucleotide within the consensus splice site. This variant is present in population databases (rs376734611, gnomAD 0.02%). This variant has not been reported in the literature in individuals affected with ASRGL1-related conditions. ClinVar contains an entry for this variant (Variation ID: 1396550). Variants that disrupt the consensus splice site are a relatively common cause of aberrant splicing (PMID: 17576681, 9536098). Algorithms developed to predict the effect of sequence changes on RNA splicing suggest that this variant may disrupt the consensus splice site. In summary, the available evidence is currently insufficient to determine the role of this variant in disease. Therefore, it has been classified as a Variant of Uncertain Significance.

Literature cited by the submitters: PubMed 17576681; PubMed 9536098.